The following is an entry in ClinVar:

NM_001792.5(CDH2):c.2117A>G (p.Asn706Ser)

Gene: CDH2 (cadherin 2; minus strand). Cytogenetic location: 18q12.1.
Variant type: single nucleotide variant.
Coding change: c.2117A>G on transcript NM_001792.5 (MANE Select); coding-DNA position 2117, A replaced by G.
Protein change: p.Asn706Ser; replaces asparagine 706 with serine.
Molecular consequence: missense variant.
Genome position (GRCh38, 1-based): chr18:27,985,092, T>C on the plus strand (A>G on the coding strand, the complement: CDH2 is on the minus strand). VCF-style: chr18-27985092-T-C. GRCh37 (hg19) VCF-style: chr18-25565056-T-C.
Other names: c.2024A>G, p.Asn675Ser (NM_001308176.2); short protein forms N706S, N675S.
Identifiers: ClinVar variation 2736717 (VCV002736717.3), dbSNP rs201333291, ClinGen allele CA8923237.

ClinVar aggregate classification (germline): Uncertain significance (1 of 4 stars; one submission).

Allele frequency attached by ClinVar (database versions not stated): ExAC 0.00001; gnomAD 0.00001; gnomAD exomes 0.00001; TOPMed 0.00001.
gnomAD v4.1: 12 of 1,614,010 alleles (0.00074%); highest among the groups gnomAD compares: Non-Finnish European, 0.00085%; no homozygotes.

Submission:

Labcorp Genetics (formerly Invitae), Labcorp
Classification: Uncertain significance. Last evaluated: 2024-12-15. Review status: criteria provided, single submitter. Criteria: Invitae Variant Classification Sherloc (09022015). Collection method: clinical testing. Allele origin: germline.
Comment: This sequence change replaces asparagine, which is neutral and polar, with serine, which is neutral and polar, at codon 706 of the CDH2 protein (p.Asn706Ser). This variant is present in population databases (rs201333291, gnomAD 0.0009%). This variant has not been reported in the literature in individuals affected with CDH2-related conditions. ClinVar contains an entry for this variant (Variation ID: 2736717). An algorithm developed to predict the effect of missense changes on protein structure and function (PolyPhen-2) suggests that this variant is likely to be tolerated. In summary, the available evidence is currently insufficient to determine the role of this variant in disease. Therefore, it has been classified as a Variant of Uncertain Significance.